The following is an entry in ClinVar:

NM_182931.3(KMT2E):c.4162G>A (p.Glu1388Lys)

Gene: KMT2E (lysine methyltransferase 2E (inactive); plus strand). Cytogenetic location: 7q22.3.
Variant type: single nucleotide variant.
Coding change: c.4162G>A on transcript NM_182931.3 (MANE Select); coding-DNA position 4162, G replaced by A.
Protein change: p.Glu1388Lys; replaces glutamic acid 1388 with lysine.
Molecular consequence: missense variant.
Genome position (GRCh38, 1-based): chr7:105,111,918, G>A. VCF-style: chr7-105111918-G-A. GRCh37 (hg19) VCF-style: chr7-104752365-G-A.
Other names: c.4162G>A, p.Glu1388Lys (NM_018682.4); short protein forms E1388K.
Identifiers: ClinVar variation 1367688 (VCV001367688.10), dbSNP rs149990670, ClinGen allele CA4424695.

ClinVar aggregate classification (germline): Benign/Likely benign. Review status: criteria provided, multiple submitters, no conflicts (2 of 4 stars). 2 submissions from 2 submitters: Benign (1); Likely benign (1). Last evaluated 2026-02-01.

Allele frequency attached by ClinVar (database versions not stated): ExAC 0.00002; gnomAD 0.00002 and 0.00003; gnomAD exomes 0.00002 and 0.00006; TOPMed 0.00004; ESP Exome Variant Server 0.00015.
gnomAD v4.1: 96 of 1,613,978 alleles (0.0059%); highest among the groups gnomAD compares: Non-Finnish European, 0.0076%; no homozygotes.

Submissions (2):

CeGaT Center for Human Genetics Tuebingen
Classification: Likely benign. Last evaluated: 2026-02-01. Review status: criteria provided, single submitter. Criteria: CeGaT Center For Human Genetics Tuebingen Variant Classification Criteria Version 2. Collection method: clinical testing. Allele origin: germline. Affected: yes. Observed: 1 variant allele.
Comment: KMT2E: BS2

Labcorp Genetics (formerly Invitae), Labcorp
Classification: Benign. Last evaluated: 2025-04-04. Review status: criteria provided, single submitter. Criteria: Invitae Variant Classification Sherloc (09022015). Collection method: clinical testing. Allele origin: germline.